The following is an entry in ClinVar:

NM_015047.3(EMC1):c.2759G>A (p.Arg920Gln)

Genes: EMC1 (ER membrane protein complex subunit 1; minus strand), EMC1-AS1 (EMC1 antisense RNA 1; plus strand). Cytogenetic location: 1p36.13.
Variant type: single nucleotide variant.
Coding change: c.2759G>A on transcript NM_015047.3 (MANE Select); coding-DNA position 2759, G replaced by A.
Protein change: p.Arg920Gln; replaces arginine 920 with glutamine.
Molecular consequence: missense variant.
Genome position (GRCh38, 1-based): chr1:19,219,612, C>T on the plus strand (G>A on the coding strand, the complement: EMC1 is on the minus strand). VCF-style: chr1-19219612-C-T. GRCh37 (hg19) VCF-style: chr1-19546106-C-T.
Other names: c.2756G>A, p.Arg919Gln (NM_001271427.2, NM_001271428.2); c.2693G>A, p.Arg898Gln (NM_001271429.2); c.2768G>A, p.Arg923Gln (NM_001375820.1); c.2765G>A, p.Arg922Gln (NM_001375821.1); short protein forms R922Q, R898Q, R923Q, R919Q, R920Q.
Identifiers: ClinVar variation 2144777 (VCV002144777.4), dbSNP rs562770564, ClinGen allele CA652153.

ClinVar aggregate classification (germline): Uncertain significance (1 of 4 stars; one submission).

Allele frequency attached by ClinVar (database versions not stated): gnomAD 0.00001; gnomAD exomes 0.00001; TOPMed 0.00002; ExAC 0.00003; 1000 Genomes Project 30x 0.00016; 1000 Genomes Project 0.00020.
gnomAD v4.1: 11 of 1,613,122 alleles (0.00068%); highest among the groups gnomAD compares: Admixed American, 0.0033%; no homozygotes.

Submission:

Labcorp Genetics (formerly Invitae), Labcorp
Classification: Uncertain significance. Last evaluated: 2025-10-21. Review status: criteria provided, single submitter. Criteria: Invitae Variant Classification Sherloc (09022015). Collection method: clinical testing. Allele origin: germline.
Comment: This sequence change replaces arginine, which is basic and polar, with glutamine, which is neutral and polar, at codon 920 of the EMC1 protein (p.Arg920Gln). This variant is present in population databases (rs562770564, gnomAD 0.009%). This variant has not been reported in the literature in individuals affected with EMC1-related conditions. ClinVar contains an entry for this variant (Variation ID: 2144777). Invitae Evidence Modeling of protein sequence and biophysical properties (such as structural, functional, and spatial information, amino acid conservation, physicochemical variation, residue mobility, and thermodynamic stability) indicates that this missense variant is not expected to disrupt EMC1 protein function with a negative predictive value of 80%. In summary, the available evidence is currently insufficient to determine the role of this variant in disease. Therefore, it has been classified as a Variant of Uncertain Significance.